The following is an entry in ClinVar:

NM_001374353.1(GLI2):c.1676C>T (p.Thr559Ile)

Gene: GLI2 (GLI family zinc finger 2; plus strand). Cytogenetic location: 2q14.2.
Variant type: single nucleotide variant.
Coding change: c.1676C>T on transcript NM_001374353.1 (MANE Select); coding-DNA position 1676, C replaced by T.
Protein change: p.Thr559Ile; replaces threonine 559 with isoleucine.
Molecular consequence: missense variant.
Genome position (GRCh38, 1-based): chr2:120,984,514, C>T. VCF-style: chr2-120984514-C-T. GRCh37 (hg19) VCF-style: chr2-121742090-C-T.
Other names: c.1727C>T, p.Thr576Ile (NM_001371271.1, NM_005270.5); c.1301C>T, p.Thr434Ile (NM_001374354.1); short protein forms T434I, T559I, T576I.
Identifiers: ClinVar variation 1722409 (VCV001722409.1), dbSNP rs2467749280, ClinGen allele CA348162684.

ClinVar aggregate classification (germline): Uncertain significance (1 of 4 stars; one submission).

Submission:

Women's Health and Genetics/Laboratory Corporation of America, LabCorp
Classification: Uncertain significance. Last evaluated: 2022-09-19. Review status: criteria provided, single submitter. Criteria: LabCorp Variant Classification Summary - May 2015. Collection method: clinical testing. Allele origin: germline.
Comment: Variant summary: GLI2 c.1727C>T (p.Thr576Ile) results in a non-conservative amino acid change located in the Zinc finger C2H2-type IPR013087 of the encoded protein sequence. Four of five in-silico tools predict a damaging effect of the variant on protein function. The variant was absent in 251450 control chromosomes. The available data on variant occurrences in the general population are insufficient to allow any conclusion about variant significance. To our knowledge, no occurrence of c.1727C>T in individuals affected with GLI2-Related Disorders and no experimental evidence demonstrating its impact on protein function have been reported. No clinical diagnostic laboratories have submitted clinical-significance assessments for this variant to ClinVar after 2014. Based on the evidence outlined above, the variant was classified as uncertain significance.